The following is an entry in ClinVar:

ClinVar aggregate classification (germline): Uncertain significance (1 of 4 stars; one submission).

Conditions:
Intellectual developmental disorder, X-linked 1. Also called: Atkin Flaitz Patil Smith syndrome; MENTAL RETARDATION, X-LINKED 18; MENTAL RETARDATION, X-LINKED 78; Intellectual disability, X-linked 1. Identifiers: Orphanet 777, MedGen C2931498, MONDO:0010656, OMIM 309530.

gnomAD v4.1: 1 of 1,209,908 alleles (0.000083%); highest among the groups gnomAD compares: Non-Finnish European, 0.00011%; no homozygotes.

Submission:

Foundation for Research in Genetics and Endocrinology, FRIGE's Institute of Human Genetics
Classification: Uncertain significance for Intellectual developmental disorder, X-linked 1. Last evaluated: 2025-07-28. Review status: criteria provided, single submitter. Criteria: ACMG Guidelines, 2015. Collection method: clinical testing. Allele origin: germline. Inheritance: X-linked dominant inheritance. Affected: yes. Observed: 1 hemizygote.
Comment: A hemizygous missense variant in exon 6 of the IQSEC2 gene that results in the amino acid substitution of Glutamine for Arginine at codon 810 was detected. The variant has not been reported in the 1000 genomes, gnomAD (v2.1) databases and has a minor allele frequency of 0.0009% and 0.0003% in the gnomAD (v3.1) and topmed databases respectively. The in silico predictions of the variant are possibly damaging by PolyPhen-2 and damaging by SIFT and LRT. The reference codon is conserved across species. In summary, the variant meets our criteria to be classified as a variant of uncertain significance.

NM_001111125.3(IQSEC2):c.2429G>A (p.Arg810Gln)

Gene: IQSEC2 (IQ motif and Sec7 domain ArfGEF 2; minus strand). Cytogenetic location: Xp11.22.
Variant type: single nucleotide variant.
Coding change: c.2429G>A on transcript NM_001111125.3 (MANE Select); coding-DNA position 2429, G replaced by A.
Protein change: p.Arg810Gln; replaces arginine 810 with glutamine.
Molecular consequence: missense variant.
Genome position (GRCh38, 1-based): chrX:53,248,751, C>T on the plus strand (G>A on the coding strand, the complement: IQSEC2 is on the minus strand). VCF-style: chrX-53248751-C-T. GRCh37 (hg19) VCF-style: chrX-53277933-C-T.
Other names: p.Arg810Gln; c.2429G>A, p.Arg810Gln (NM_001410736.1, NM_001441092.1); c.1931G>A, p.Arg644Gln (NM_001441093.1); c.1718G>A, p.Arg573Gln (NM_001441094.1, NM_001441095.1); c.1814G>A, p.Arg605Gln (NM_015075.2); short protein forms R573Q, R605Q, R644Q, R810Q.
Identifiers: ClinVar variation 4073627 (VCV004073627.1).
Genomic context (GRCh38, chrX:53,248,751, plus strand): 5'-GCCCAGCCTGCCCCATCCTGGGGTCCTCACTCCAACACGTCTCTGTTGAACTGCTTCTGC[C>T]GGTTCCCTAGGAATTCCCCTATCATCTGCCGGCTGAGGCCTTTCCGCTCCAGGATGAAGT-3'
Protein context (NP_001104595.1, residues 800-820): RQMIGEFLGN[Arg810Gln]QKQFNRDVLD